The following is an entry in ClinVar:

NM_005732.4(RAD50):c.2011A>T (p.Thr671Ser)

Gene: RAD50 (RAD50 double strand break repair protein; plus strand). Cytogenetic location: 5q31.1.
Variant type: single nucleotide variant.
Coding change: c.2011A>T on transcript NM_005732.4 (MANE Select); coding-DNA position 2011, A replaced by T.
Protein change: p.Thr671Ser; replaces threonine 671 with serine.
Molecular consequence: missense variant.
Genome position (GRCh38, 1-based): chr5:132,595,614, A>T. VCF-style: chr5-132595614-A-T. GRCh37 (hg19) VCF-style: chr5-131931306-A-T.
Other names: c.2011A>T (NM_005732.3); short protein forms T671S.
Identifiers: ClinVar variation 2854083 (VCV002854083.4), dbSNP rs2479651774, ClinGen allele CA360949355.
Genomic context (GRCh38, chr5:132,595,614, plus strand): 5'-ATTTATTTTCTTAAAATAGCCATGCTGGCTGGAGCCACAGCAGTTTACTCCCAGTTCATT[A>T]CTCAGCTAACAGACGAAAACCAGTCATGTTGCCCCGTTTGTCAGAGAGTTTTTCAGACAG-3'
Protein context (NP_005723.2, residues 661-681): GATAVYSQFI[Thr671Ser]QLTDENQSCC

ClinVar aggregate classification (germline): Uncertain significance. Review status: criteria provided, multiple submitters, no conflicts (2 of 4 stars). 2 submissions from 2 submitters: Uncertain significance (2). Last evaluated 2023-12-20.

Conditions:
Hereditary cancer-predisposing syndrome. Also called: Neoplastic Syndromes, Hereditary; Hereditary neoplastic syndrome; Tumor predisposition; Hereditary Cancer Syndrome. Identifiers: Orphanet 140162, MedGen C0027672, MeSH D009386, MONDO:0015356.

Submissions (2):

Ambry Genetics
Classification: Uncertain significance for Hereditary cancer-predisposing syndrome. Last evaluated: 2023-12-20. Review status: criteria provided, single submitter. Criteria: Ambry Variant Classification Scheme 2023. Collection method: clinical testing. Allele origin: germline.
Comment: The p.T671S variant (also known as c.2011A>T), located in coding exon 13 of the RAD50 gene, results from an A to T substitution at nucleotide position 2011. The threonine at codon 671 is replaced by serine, an amino acid with similar properties. This amino acid position is conserved. In addition, this alteration is predicted to be tolerated by in silico analysis. Since supporting evidence is limited at this time, the clinical significance of this alteration remains unclear.

Labcorp Genetics (formerly Invitae), Labcorp
Classification: Uncertain significance for Hereditary cancer-predisposing syndrome. Last evaluated: 2023-04-09. Review status: criteria provided, single submitter. Criteria: Invitae Variant Classification Sherloc (09022015). Collection method: clinical testing. Allele origin: germline.
Comment: In summary, the available evidence is currently insufficient to determine the role of this variant in disease. Therefore, it has been classified as a Variant of Uncertain Significance. Algorithms developed to predict the effect of sequence changes on RNA splicing suggest that this variant may create or strengthen a splice site. Advanced modeling of protein sequence and biophysical properties (such as structural, functional, and spatial information, amino acid conservation, physicochemical variation, residue mobility, and thermodynamic stability) performed at Invitae indicates that this missense variant is not expected to disrupt RAD50 protein function. This variant has not been reported in the literature in individuals affected with RAD50-related conditions. This variant is not present in population databases (gnomAD no frequency). This sequence change replaces threonine, which is neutral and polar, with serine, which is neutral and polar, at codon 671 of the RAD50 protein (p.Thr671Ser).